The following is an entry in ClinVar:

NM_080680.3(COL11A2):c.1729G>C (p.Gly577Arg)

Gene: COL11A2 (collagen type XI alpha 2 chain; minus strand). Cytogenetic location: 6p21.32.
Variant type: single nucleotide variant.
Coding change: c.1729G>C on transcript NM_080680.3 (MANE Select); coding-DNA position 1729, G replaced by C.
Protein change: p.Gly577Arg; replaces glycine 577 with arginine.
Molecular consequence: missense variant.
Genome position (GRCh38, 1-based): chr6:33,178,479, C>G on the plus strand (G>C on the coding strand, the complement: COL11A2 is on the minus strand). VCF-style: chr6-33178479-C-G. GRCh37 (hg19) VCF-style: chr6-33146256-C-G.
Other names: c.1408G>C, p.Gly470Arg (NM_080679.3); c.1471G>C, p.Gly491Arg (NM_080681.3); short protein forms G577R, G491R, G470R.
Identifiers: ClinVar variation 2086957 (VCV002086957.4), dbSNP rs1771240903, ClinGen allele CA363658099.

ClinVar aggregate classification (germline): Uncertain significance (1 of 4 stars; one submission).

Allele frequency attached by ClinVar (database versions not stated): TOPMed below 0.00001.

Submission:

Labcorp Genetics (formerly Invitae), Labcorp
Classification: Uncertain significance. Last evaluated: 2025-01-27. Review status: criteria provided, single submitter. Criteria: Invitae Variant Classification Sherloc (09022015). Collection method: clinical testing. Allele origin: germline.
Comment: This sequence change replaces glycine, which is neutral and non-polar, with arginine, which is basic and polar, at codon 577 of the COL11A2 protein (p.Gly577Arg). This variant is not present in population databases (gnomAD no frequency). This variant has not been reported in the literature in individuals affected with COL11A2-related conditions. ClinVar contains an entry for this variant (Variation ID: 2086957). Invitae Evidence Modeling of protein sequence and biophysical properties (such as structural, functional, and spatial information, amino acid conservation, physicochemical variation, residue mobility, and thermodynamic stability) indicates that this missense variant is expected to disrupt COL11A2 protein function with a positive predictive value of 95%. In summary, the available evidence is currently insufficient to determine the role of this variant in disease. Therefore, it has been classified as a Variant of Uncertain Significance.